The following is an entry in ClinVar:

NM_014000.3(VCL):c.2729G>A (p.Arg910His)

Gene: VCL (vinculin; plus strand). Cytogenetic location: 10q22.2.
Variant type: single nucleotide variant.
Coding change: c.2729G>A on transcript NM_014000.3 (MANE Select); coding-DNA position 2729, G replaced by A.
Protein change: p.Arg910His; replaces arginine 910 with histidine.
Molecular consequence: missense variant.
Genome position (GRCh38, 1-based): chr10:74,109,140, G>A. VCF-style: chr10-74109140-G-A. GRCh37 (hg19) VCF-style: chr10-75868898-G-A.
Other names: c.2729G>A, p.Arg910His (NM_003373.4); short protein forms R910H.
Identifiers: ClinVar variation 4811243 (VCV004811243.1).

ClinVar aggregate classification (germline): Uncertain significance (1 of 4 stars; one submission).

Conditions:
Dilated cardiomyopathy 1W (CMD1W). Identifiers: Orphanet 154, MedGen C1969639, MONDO:0012667, OMIM 611407.

gnomAD v4.1: 2 of 1,614,094 alleles (0.00012%); highest among the groups gnomAD compares: Middle Eastern, 0.017%; no homozygotes.

Submission:

Labcorp Genetics (formerly Invitae), Labcorp
Classification: Uncertain significance for Dilated cardiomyopathy 1W. Last evaluated: 2025-11-07. Review status: criteria provided, single submitter. Criteria: Invitae Variant Classification Sherloc (09022015). Collection method: clinical testing. Allele origin: germline.
Comment: This sequence change replaces arginine, which is basic and polar, with histidine, which is basic and polar, at codon 910 of the VCL protein (p.Arg910His). This variant is not present in population databases (gnomAD no frequency). This variant has not been reported in the literature in individuals affected with VCL-related conditions. An algorithm developed to predict the effect of missense changes on protein structure and function (PolyPhen-2) suggests that this variant is likely to be disruptive. In summary, the available evidence is currently insufficient to determine the role of this variant in disease. Therefore, it has been classified as a Variant of Uncertain Significance.